The following is an entry in ClinVar:

NC_000011.10:g.(?_77208430)_(77211937_?)del

Gene: MYO7A (myosin VIIA; plus strand). Cytogenetic location: 11q13.5.
Variant type: Deletion.
Identifiers: ClinVar variation 831981 (VCV000831981.8).

ClinVar aggregate classification (germline): Pathogenic (1 of 4 stars; one submission).

Submission:

Labcorp Genetics (formerly Invitae), Labcorp
Classification: Pathogenic. Last evaluated: 2022-06-13. Review status: criteria provided, single submitter. Criteria: Invitae Variant Classification Sherloc (09022015). Collection method: clinical testing. Allele origin: germline.
Comment: For these reasons, this variant has been classified as Pathogenic. This variant disrupts a region of the MYO7A protein in which other variant(s) (p.Phe1963del) have been determined to be pathogenic (PMID: 16679490, 24199935, 29142287, 30459346). This suggests that this is a clinically significant region of the protein, and that variants that disrupt it are likely to be disease-causing. A similar copy number variant has been observed in individual(s) with autosomal recessive deafness (PMID: 31598937). This variant is a gross deletion of the genomic region encompassing exon(s) 43-46 of the MYO7A gene. This variant would be expected to be in-frame, preserving the integrity of the reading frame.

Literature cited by the submitters: PubMed 16679490; PubMed 24199935; PubMed 29142287; PubMed 30459346; PubMed 31598937.